The following is an entry in ClinVar:

NM_001034850.3(RETREG1):c.168G>C (p.Gln56His)

Genes: RETREG1 (reticulophagy regulator 1; minus strand), RETREG1-AS1 (RETREG1 antisense RNA 1; plus strand), LOC129993734 (ATAC-STARR-seq lymphoblastoid silent region 15947; plus strand). Cytogenetic location: 5p15.1.
Variant type: single nucleotide variant.
Coding change: c.168G>C on transcript NM_001034850.3 (MANE Select); coding-DNA position 168, G replaced by C.
Protein change: p.Gln56His; replaces glutamine 56 with histidine.
Molecular consequence: missense variant.
Genome position (GRCh38, 1-based): chr5:16,616,804, C>G on the plus strand (G>C on the coding strand, the complement: RETREG1 is on the minus strand). VCF-style: chr5-16616804-C-G. GRCh37 (hg19) VCF-style: chr5-16616913-C-G.
Other names: short protein forms Q56H.
Identifiers: ClinVar variation 862807 (VCV000862807.10), dbSNP rs1743528094, ClinGen allele CA359292869.

ClinVar aggregate classification (germline): Uncertain significance (1 of 4 stars; one submission).

Allele frequency attached by ClinVar (database versions not stated): gnomAD exomes below 0.00001.
gnomAD v4.1: 1 of 1,523,176 alleles (0.000066%); highest among the groups gnomAD compares: Admixed American, 0.002%; no homozygotes.

Submission:

Labcorp Genetics (formerly Invitae), Labcorp
Classification: Uncertain significance. Last evaluated: 2022-02-05. Review status: criteria provided, single submitter. Criteria: Invitae Variant Classification Sherloc (09022015). Collection method: clinical testing. Allele origin: germline.
Comment: In summary, the available evidence is currently insufficient to determine the role of this variant in disease. Therefore, it has been classified as a Variant of Uncertain Significance. Algorithms developed to predict the effect of missense changes on protein structure and function are either unavailable or do not agree on the potential impact of this missense change (SIFT: "Tolerated"; PolyPhen-2: "Not Available"; Align-GVGD: "Class C0"). ClinVar contains an entry for this variant (Variation ID: 862807). This variant has not been reported in the literature in individuals affected with RETREG1-related conditions. This variant is not present in population databases (gnomAD no frequency). This sequence change replaces glutamine, which is neutral and polar, with histidine, which is basic and polar, at codon 56 of the RETREG1 protein (p.Gln56His).